The following is an entry in ClinVar:

ClinVar aggregate classification (germline): Uncertain significance. Review status: criteria provided, multiple submitters, no conflicts (2 of 4 stars). 2 submissions from 2 submitters: Uncertain significance (2). Last evaluated 2024-05-20.

gnomAD v4.1: 3 of 1,613,420 alleles (0.00019%); highest among the groups gnomAD compares: Non-Finnish European, 0.00017%; no homozygotes.

Submissions (2):

Labcorp Genetics (formerly Invitae), Labcorp
Classification: Uncertain significance. Last evaluated: 2024-05-20. Review status: criteria provided, single submitter. Criteria: Invitae Variant Classification Sherloc (09022015). Collection method: clinical testing. Allele origin: germline.
Comment: This sequence change replaces isoleucine with valine at codon 501 of the KIZ protein (p.Ile501Val). This variant is not present in population databases (gnomAD no frequency). This variant has not been reported in the literature in individuals affected with KIZ-related conditions. ClinVar contains an entry for this variant (Variation ID: 1493659). Experimental studies and prediction algorithms are not available or were not evaluated, and the functional significance of this variant is currently unknown. In summary, the available evidence is currently insufficient to determine the role of this variant in disease. Therefore, it has been classified as a Variant of Uncertain Significance.

Blueprint Genetics
Classification: Uncertain significance. Last evaluated: 2020-08-26. Review status: criteria provided, single submitter. Criteria: ACMG Guidelines, 2015. Collection method: clinical testing. Allele origin: germline.

NM_018474.6(KIZ):c.1501A>G (p.Ile501Val)

Genes: KIZ (kizuna centrosomal protein; plus strand), KIZ-AS1 (KIZ antisense RNA 1; minus strand). Cytogenetic location: 20p11.23.
Variant type: single nucleotide variant.
Coding change: c.1501A>G on transcript NM_018474.6 (MANE Select); coding-DNA position 1501, A replaced by G.
Protein change: p.Ile501Val; replaces isoleucine 501 with valine.
Molecular consequence: missense variant.
Genome position (GRCh38, 1-based): chr20:21,214,589, A>G. VCF-style: chr20-21214589-A-G. GRCh37 (hg19) VCF-style: chr20-21195227-A-G.
Other names: c.1192A>G, p.Ile398Val (NM_001163022.3); c.1102A>G, p.Ile368Val (NM_001163023.3); c.1354A>G, p.Ile452Val (NM_001276389.2); c.1447A>G, p.Ile483Val (NM_001352434.2); c.1138A>G, p.Ile380Val (NM_001352435.2); c.1159A>G, p.Ile387Val (NM_001352436.2); short protein forms I398V, I387V, I452V, I483V, I368V, I380V, I501V.
Identifiers: ClinVar variation 1493659 (VCV001493659.7), dbSNP rs369519137, ClinGen allele CA408490679.